The following is an entry in ClinVar:

NM_000836.4(GRIN2D):c.163C>G (p.Leu55Val)

Genes: GRIN2D (glutamate ionotropic receptor NMDA type subunit 2D; plus strand), LOC130064855 (ATAC-STARR-seq lymphoblastoid silent region 10879; plus strand). Cytogenetic location: 19q13.33.
Variant type: single nucleotide variant.
Coding change: c.163C>G on transcript NM_000836.4 (MANE Select); coding-DNA position 163, C replaced by G.
Protein change: p.Leu55Val; replaces leucine 55 with valine.
Molecular consequence: missense variant.
Genome position (GRCh38, 1-based): chr19:48,398,555, C>G. VCF-style: chr19-48398555-C-G. GRCh37 (hg19) VCF-style: chr19-48901812-C-G.
Other names: short protein forms L55V.
Identifiers: ClinVar variation 3383418 (VCV003383418.2).

ClinVar aggregate classification (germline): Uncertain significance (1 of 4 stars; one submission).

Submission:

Centre of Medical Genetics, University Hospital Muenster
Classification: Uncertain significance. Last evaluated: 2024-04-26. Review status: criteria provided, single submitter. Criteria: ACMG Guidelines, 2015. Collection method: clinical testing. Allele origin: unknown. Affected: yes. Observed: 1 variant allele, 1 heterozygote.
Comment: ACMG categories: PM2